The following is an entry in ClinVar:

ClinVar aggregate classification (germline): Pathogenic (1 of 4 stars; one submission).

Conditions:
Surfactant metabolism dysfunction, pulmonary, 4 (SMDP4). Also called: CSF2RA DEFICIENCY; PAP DUE TO CSF2RA DEFICIENCY; PULMONARY ALVEOLAR PROTEINOSIS, CONGENITAL, 4. Identifiers: Orphanet 264675, MedGen C2677877, MONDO:0010424, OMIM 300770.

Submission:

Labcorp Genetics (formerly Invitae), Labcorp
Classification: Pathogenic for Surfactant metabolism dysfunction, pulmonary, 4. Last evaluated: 2022-02-04. Review status: criteria provided, single submitter. Criteria: Invitae Variant Classification Sherloc (09022015). Collection method: clinical testing. Allele origin: germline.
Comment: This sequence change creates a premature translational stop signal (p.Asn123Ilefs*8) in the CSF2RA gene. It is expected to result in an absent or disrupted protein product. Loss-of-function variants in CSF2RA are known to be pathogenic (PMID: 20622029, 25425184). This variant is not present in population databases (gnomAD no frequency). This variant has not been reported in the literature in individuals affected with CSF2RA-related conditions. ClinVar contains an entry for this variant (Variation ID: 839421). For these reasons, this variant has been classified as Pathogenic.

Literature cited by the submitters: PubMed 20622029; PubMed 25425184.

NM_172245.4(CSF2RA):c.368_377del (p.Asn123fs)

Gene: CSF2RA (colony stimulating factor 2 receptor subunit alpha; plus strand). Cytogenetic location: Xp22.33.
Variant type: Deletion.
Coding change: c.368_377del on transcript NM_172245.4 (MANE Select); coding-DNA positions 368 to 377, 10 bases deleted (ATTTCTCCTG; older notation c.368_377delATTTCTCCTG).
Protein change: p.Asn123fs; shifts the reading frame from asparagine 123.
Molecular consequence: frameshift variant. On other transcripts: 5 prime UTR variant (1), non-coding transcript variant (1).
Genome position (GRCh38, 1-based): chrX:1,288,783-1,288,792, ATTTCTCCTG deleted. VCF-style (leftmost placement, unchanged base first): chrX-1288782-AATTTCTCCTG-A. GRCh37 (hg19) VCF-style: chrX-1407675-AATTTCTCCTG-A.
Other names: c.368_377del, p.Asn123fs (NM_001161529.2, NM_001161530.2, NM_001161531.2 and 20 more transcripts); c.-32_-23del (NM_001161532.2); short protein forms N123fs.
Identifiers: ClinVar variation 839421 (VCV000839421.7), dbSNP rs2091055139, ClinGen allele CA916083834.